The following is an entry in ClinVar:

NM_001081550.2(THOC2):c.1571A>T (p.Tyr524Phe)

Gene: THOC2 (THO complex subunit 2; minus strand). Cytogenetic location: Xq25.
Variant type: single nucleotide variant.
Coding change: c.1571A>T on transcript NM_001081550.2 (MANE Select); coding-DNA position 1571, A replaced by T.
Protein change: p.Tyr524Phe; replaces tyrosine 524 with phenylalanine.
Molecular consequence: missense variant.
Genome position (GRCh38, 1-based): chrX:123,644,665, T>A on the plus strand (A>T on the coding strand, the complement: THOC2 is on the minus strand). VCF-style: chrX-123644665-T-A. GRCh37 (hg19) VCF-style: chrX-122778516-T-A.
Other names: short protein forms Y524F.
Identifiers: ClinVar variation 1711974 (VCV001711974.4), dbSNP rs748940945, ClinGen allele CA10507706.

ClinVar aggregate classification (germline): Uncertain significance (1 of 4 stars; one submission).

Allele frequency attached by ClinVar (database versions not stated): gnomAD exomes below 0.00001; ExAC 0.00001.
gnomAD v4.1: 1 of 1,197,160 alleles (0.000084%); highest among the groups gnomAD compares: Non-Finnish European, 0.00011%; no homozygotes.

Submission:

GeneDx
Classification: Uncertain significance. Last evaluated: 2026-07-20. Review status: criteria provided, single submitter. Criteria: GeneDx Variant Classification Process June 2021. Collection method: clinical testing. Allele origin: germline.
Comment: Not observed at significant frequency in large population cohorts (gnomAD); In silico analysis supports that this missense variant has a deleterious effect on protein structure/function; Has not been previously published as pathogenic or benign to our knowledge